The following is an entry in ClinVar:

ClinVar aggregate classification (germline): Uncertain significance (1 of 4 stars; one submission).

Allele frequency attached by ClinVar (database versions not stated): gnomAD exomes below 0.00001; TOPMed 0.00002; ExAC 0.00004.
gnomAD v4.1: 7 of 1,558,640 alleles (0.00045%); highest among the groups gnomAD compares: Admixed American, 0.0083%; no homozygotes.

Submission:

Labcorp Genetics (formerly Invitae), Labcorp
Classification: Uncertain significance. Last evaluated: 2024-01-05. Review status: criteria provided, single submitter. Criteria: Invitae Variant Classification Sherloc (09022015). Collection method: clinical testing. Allele origin: germline.
Comment: This sequence change replaces isoleucine, which is neutral and non-polar, with valine, which is neutral and non-polar, at codon 442 of the SLC12A6 protein (p.Ile442Val). This variant is present in population databases (rs770625474, gnomAD 0.02%). This variant has not been reported in the literature in individuals affected with SLC12A6-related conditions. Advanced modeling of protein sequence and biophysical properties (such as structural, functional, and spatial information, amino acid conservation, physicochemical variation, residue mobility, and thermodynamic stability) performed at Invitae indicates that this missense variant is not expected to disrupt SLC12A6 protein function with a negative predictive value of 80%. In summary, the available evidence is currently insufficient to determine the role of this variant in disease. Therefore, it has been classified as a Variant of Uncertain Significance.

NM_001365088.1(SLC12A6):c.1324A>G (p.Ile442Val)

Gene: SLC12A6 (solute carrier family 12 member 6; minus strand). Cytogenetic location: 15q14.
Variant type: single nucleotide variant.
Coding change: c.1324A>G on transcript NM_001365088.1 (MANE Select); coding-DNA position 1324, A replaced by G.
Protein change: p.Ile442Val; replaces isoleucine 442 with valine.
Molecular consequence: missense variant.
Genome position (GRCh38, 1-based): chr15:34,252,179, T>C on the plus strand (A>G on the coding strand, the complement: SLC12A6 is on the minus strand). VCF-style: chr15-34252179-T-C. GRCh37 (hg19) VCF-style: chr15-34544380-T-C.
Other names: c.1147A>G, p.Ile383Val (NM_001042494.2, NM_001042495.2); c.1297A>G, p.Ile433Val (NM_001042496.2); c.1279A>G, p.Ile427Val (NM_001042497.2); c.1171A>G, p.Ile391Val (NM_005135.2); c.1324A>G, p.Ile442Val (NM_133647.2); short protein forms I433V, I442V, I383V, I427V, I391V.
Identifiers: ClinVar variation 2994482 (VCV002994482.3), dbSNP rs770625474, ClinGen allele CA7464340.